The following is an entry in ClinVar:

NM_001288705.3(CSF1R):c.1754-7G>A

Gene: CSF1R (colony stimulating factor 1 receptor; minus strand). Cytogenetic location: 5q32.
Variant type: single nucleotide variant.
Coding change: c.1754-7G>A on transcript NM_001288705.3 (MANE Select); 7 bases into the intron before coding-DNA position 1754, G replaced by A.
Molecular consequence: intron variant.
Genome position (GRCh38, 1-based): chr5:150,061,602, C>T on the plus strand (G>A on the coding strand, the complement: CSF1R is on the minus strand). VCF-style: chr5-150061602-C-T. GRCh37 (hg19) VCF-style: chr5-149441165-C-T.
Other names: c.1310-7G>A (NM_001375321.1); c.1754-7G>A (NM_005211.4, NM_001375320.1, NM_001349736.2).
Identifiers: ClinVar variation 2417324 (VCV002417324.23), dbSNP rs755134660, ClinGen allele CA3506698.

ClinVar aggregate classification (germline): Conflicting classifications of pathogenicity. Review status: criteria provided, conflicting classifications (1 of 4 stars). 3 submissions from 3 submitters: Uncertain significance (1); Likely benign (2). Last evaluated 2025-03-27.

Allele frequency attached by ClinVar (database versions not stated): gnomAD 0.00001; gnomAD exomes 0.00003; TOPMed 0.00004; ExAC 0.00008.
gnomAD v4.1: 43 of 1,613,982 alleles (0.0027%); highest among the groups gnomAD compares: South Asian, 0.0099%; no homozygotes.

Submissions (3):

Labcorp Genetics (formerly Invitae), Labcorp
Classification: Likely benign. Last evaluated: 2025-03-27. Review status: criteria provided, single submitter. Criteria: Invitae Variant Classification Sherloc (09022015). Collection method: clinical testing. Allele origin: germline.

CeGaT Center for Human Genetics Tuebingen
Classification: Uncertain significance. Last evaluated: 2024-08-01. Review status: criteria provided, single submitter. Criteria: CeGaT Center For Human Genetics Tuebingen Variant Classification Criteria Version 2. Collection method: clinical testing. Allele origin: germline. Affected: yes. Observed: 1 variant allele.
Comment: CSF1R: PM2, BP4

Blueprint Genetics
Classification: Likely benign. Last evaluated: 2023-06-15. Review status: criteria provided, single submitter. Criteria: ACMG Guidelines, 2015. Collection method: clinical testing. Allele origin: germline.